The following is an entry in ClinVar:

NM_006445.4(PRPF8):c.5619G>A (p.Glu1873=)

Gene: PRPF8 (pre-mRNA processing factor 8; minus strand). Cytogenetic location: 17p13.3.
Variant type: single nucleotide variant.
Coding change: c.5619G>A on transcript NM_006445.4 (MANE Select); coding-DNA position 5619, G replaced by A.
Protein change: p.Glu1873=; no amino-acid change (glutamic acid 1873 retained).
Molecular consequence: synonymous variant.
Genome position (GRCh38, 1-based): chr17:1,656,648, C>T on the plus strand (G>A on the coding strand, the complement: PRPF8 is on the minus strand). VCF-style: chr17-1656648-C-T. GRCh37 (hg19) VCF-style: chr17-1559942-C-T.
Identifiers: ClinVar variation 3650807 (VCV003650807.2).

ClinVar aggregate classification (germline): Uncertain significance (1 of 4 stars; one submission).

Submission:

Labcorp Genetics (formerly Invitae), Labcorp
Classification: Uncertain significance. Last evaluated: 2024-04-30. Review status: criteria provided, single submitter. Criteria: Invitae Variant Classification Sherloc (09022015). Collection method: clinical testing. Allele origin: germline.
Comment: This sequence change affects codon 1873 of the PRPF8 mRNA. It is a 'silent' change, meaning that it does not change the encoded amino acid sequence of the PRPF8 protein. This variant also falls at the last nucleotide of exon 35, which is part of the consensus splice site for this exon. This variant is not present in population databases (gnomAD no frequency). This variant has not been reported in the literature in individuals affected with PRPF8-related conditions. Variants that disrupt the consensus splice site are a relatively common cause of aberrant splicing (PMID: 17576681, 9536098). Algorithms developed to predict the effect of sequence changes on RNA splicing suggest that this variant is not likely to affect RNA splicing. In summary, the available evidence is currently insufficient to determine the role of this variant in disease. Therefore, it has been classified as a Variant of Uncertain Significance.

Literature cited by the submitters: PubMed 17576681; PubMed 9536098.